The following is an entry in ClinVar:

ClinVar aggregate classification (germline): Uncertain significance. Review status: criteria provided, multiple submitters, no conflicts (2 of 4 stars). 2 submissions from 2 submitters: Uncertain significance (2). Last evaluated 2025-03-18.

Conditions:
Inborn genetic diseases. Identifiers: MedGen C0950123, MeSH D030342.
Ellis-van Creveld syndrome (EVC). Also called: EVC-Related Ellis-van Creveld Syndrome; EVC2-Related Ellis-van Creveld Syndrome; Chondroectodermal dysplasia; MESOECTODERMAL DYSPLASIA. Identifiers: Orphanet 289, MedGen C0013903, MONDO:0009162, OMIM 225500.
Curry-Hall syndrome (WAD). Also called: WEYERS ACRODENTAL DYSOSTOSIS. Identifiers: Orphanet 952, MedGen C0457013, MONDO:0008673, OMIM 193530.

Allele frequency attached by ClinVar (database versions not stated): gnomAD exomes below 0.00001; ExAC 0.00001; gnomAD 0.00001; 1000 Genomes Project 30x 0.00016; 1000 Genomes Project 0.00020.

Submissions (2):

Ambry Genetics
Classification: Uncertain significance for Inborn genetic diseases. Last evaluated: 2025-03-18. Review status: criteria provided, single submitter. Criteria: Ambry Variant Classification Scheme 2023. Collection method: clinical testing. Allele origin: germline.

Labcorp Genetics (formerly Invitae), Labcorp
Classification: Uncertain significance for Curry-Hall syndrome; Ellis-van Creveld syndrome. Last evaluated: 2022-06-23. Review status: criteria provided, single submitter. Criteria: Invitae Variant Classification Sherloc (09022015). Collection method: clinical testing. Allele origin: germline.
Comment: This sequence change replaces aspartic acid, which is acidic and polar, with valine, which is neutral and non-polar, at codon 953 of the EVC protein (p.Asp953Val). This variant is present in population databases (rs544720936, gnomAD 0.006%). This variant has not been reported in the literature in individuals affected with EVC-related conditions. Algorithms developed to predict the effect of missense changes on protein structure and function are either unavailable or do not agree on the potential impact of this missense change (SIFT: "Deleterious"; PolyPhen-2: "Probably Damaging"; Align-GVGD: "Class C0"). Algorithms developed to predict the effect of sequence changes on RNA splicing suggest that this variant may disrupt the consensus splice site. In summary, the available evidence is currently insufficient to determine the role of this variant in disease. Therefore, it has been classified as a Variant of Uncertain Significance.

NM_153717.3(EVC):c.2858A>T (p.Asp953Val)

Gene: EVC (EvC ciliary complex subunit 1; plus strand). Cytogenetic location: 4p16.2.
Variant type: single nucleotide variant.
Coding change: c.2858A>T on transcript NM_153717.3 (MANE Select); coding-DNA position 2858, A replaced by T.
Protein change: p.Asp953Val; replaces aspartic acid 953 with valine.
Molecular consequence: missense variant.
Genome position (GRCh38, 1-based): chr4:5,810,414, A>T. VCF-style: chr4-5810414-A-T. GRCh37 (hg19) VCF-style: chr4-5812141-A-T.
Other names: c.2858A>T, p.Asp953Val (NM_001306090.2); c.2858A>T (NM_153717.2); short protein forms D953V.
Identifiers: ClinVar variation 1931119 (VCV001931119.3), dbSNP rs544720936, ClinGen allele CA2836714.